The following is an entry in ClinVar:

ClinVar aggregate classification (germline): Uncertain significance (1 of 4 stars; one submission).

Submission:

GeneDx
Classification: Uncertain significance. Last evaluated: 2024-02-16. Review status: criteria provided, single submitter. Criteria: GeneDx Variant Classification Process June 2021. Collection method: clinical testing. Allele origin: germline. Affected: yes.
Comment: Not observed at significant frequency in large population cohorts (gnomAD); In silico analysis supports that this missense variant has a deleterious effect on protein structure/function; Has not been previously published as pathogenic or benign to our knowledge

NM_003601.4(SMARCA5):c.1741T>A (p.Trp581Arg)

Gene: SMARCA5 (SNF2 related chromatin remodeling ATPase 5; plus strand). Cytogenetic location: 4q31.21.
Variant type: single nucleotide variant.
Coding change: c.1741T>A on transcript NM_003601.4 (MANE Select); coding-DNA position 1741, T replaced by A.
Protein change: p.Trp581Arg; replaces tryptophan 581 with arginine.
Molecular consequence: missense variant.
Genome position (GRCh38, 1-based): chr4:143,538,909, T>A. VCF-style: chr4-143538909-T-A. GRCh37 (hg19) VCF-style: chr4-144460062-T-A.
Other names: short protein forms W581R.
Identifiers: ClinVar variation 3369419 (VCV003369419.1).